The following is an entry in ClinVar:

NM_000038.6(APC):c.4407A>T (p.Gln1469His)

Gene: APC (APC regulator of Wnt signaling pathway; plus strand). Cytogenetic location: 5q22.2.
Variant type: single nucleotide variant.
Coding change: c.4407A>T on transcript NM_000038.6 (MANE Select); coding-DNA position 4407, A replaced by T.
Protein change: p.Gln1469His; replaces glutamine 1469 with histidine.
Molecular consequence: missense variant.
Genome position (GRCh38, 1-based): chr5:112,840,001, A>T. VCF-style: chr5-112840001-A-T. GRCh37 (hg19) VCF-style: chr5-112175698-A-T.
Other names: c.4407A>T, p.Gln1469His (NM_001127510.3, NM_001354895.2); c.4353A>T, p.Gln1451His (NM_001127511.3); c.4461A>T, p.Gln1487His (NM_001354896.2); c.4437A>T, p.Gln1479His (NM_001354897.2); c.4332A>T, p.Gln1444His (NM_001354898.2); c.4323A>T, p.Gln1441His (NM_001354899.2); c.4284A>T, p.Gln1428His (NM_001354900.2); c.4230A>T, p.Gln1410His (NM_001354901.2); and 5 more; short protein forms Q1451H, Q1469H, Q1186H, Q1309H, Q1343H, Q1368H, Q1428H, Q1441H.
Identifiers: ClinVar variation 573078 (VCV000573078.18), dbSNP rs1193656466, ClinGen allele CA16030983.

ClinVar aggregate classification (germline): Uncertain significance. Review status: criteria provided, multiple submitters, no conflicts (2 of 4 stars). 3 submissions from 3 submitters: Uncertain significance (3). Last evaluated 2025-09-04.

Conditions:
Familial adenomatous polyposis 1 (FAP1). Also called: POLYPOSIS, ADENOMATOUS INTESTINAL; FAMILIAL ADENOMATOUS POLYPOSIS 1, ATTENUATED. Identifiers: MedGen C2713442, MONDO:0021056, OMIM 175100. Disease mechanism: loss of function.
Hereditary cancer-predisposing syndrome. Also called: Neoplastic Syndromes, Hereditary; Hereditary Cancer Syndrome; Tumor predisposition; Hereditary neoplastic syndrome. Identifiers: Orphanet 140162, MedGen C0027672, MeSH D009386, MONDO:0015356.

Allele frequency attached by ClinVar (database versions not stated): gnomAD exomes below 0.00001.
gnomAD v4.1: 2 of 1,614,150 alleles (0.00012%); highest among the groups gnomAD compares: Non-Finnish European, 0.00017%; no homozygotes.

Submissions (3):

Labcorp Genetics (formerly Invitae), Labcorp
Classification: Uncertain significance for Familial adenomatous polyposis 1. Last evaluated: 2025-09-04. Review status: criteria provided, single submitter. Criteria: Invitae Variant Classification Sherloc (09022015). Collection method: clinical testing. Allele origin: germline.
Comment: This sequence change replaces glutamine, which is neutral and polar, with histidine, which is basic and polar, at codon 1469 of the APC protein (p.Gln1469His). This variant is not present in population databases (gnomAD no frequency). This variant has not been reported in the literature in individuals affected with APC-related conditions. ClinVar contains an entry for this variant (Variation ID: 573078). Invitae Evidence Modeling of protein sequence and biophysical properties (such as structural, functional, and spatial information, amino acid conservation, physicochemical variation, residue mobility, and thermodynamic stability) indicates that this missense variant is not expected to disrupt APC protein function with a negative predictive value of 95%. In summary, the available evidence is currently insufficient to determine the role of this variant in disease. Therefore, it has been classified as a Variant of Uncertain Significance.

Ambry Genetics
Classification: Uncertain significance for Hereditary cancer-predisposing syndrome. Last evaluated: 2025-05-12. Review status: criteria provided, single submitter. Criteria: Ambry Variant Classification Scheme 2023. Collection method: clinical testing. Allele origin: germline.
Comment: The p.Q1469H variant (also known as c.4407A>T), located in coding exon 15 of the APC gene, results from an A to T substitution at nucleotide position 4407. The glutamine at codon 1469 is replaced by histidine, an amino acid with highly similar properties. This amino acid position is well conserved in available vertebrate species. In addition, in silico predictors for this gene do not accurately predict pathogenicity. Missense alterations in APC are not a common cause of disease (Spier I et al. Genet Med. 2024 Feb;26(2):100992). Based on the available evidence, the clinical significance of this variant remains unclear.

Color Diagnostics, LLC DBA Color Health
Classification: Uncertain significance for Hereditary cancer-predisposing syndrome. Last evaluated: 2024-03-06. Review status: criteria provided, single submitter. Criteria: ACMG Guidelines, 2015. Collection method: clinical testing. Allele origin: germline.
Comment: This missense variant replaces glutamine with histidine at codon 1469 of the APC protein. Computational prediction suggests that this variant may not impact protein structure and function (internally defined REVEL score threshold <= 0.5, PMID: 27666373). To our knowledge, functional studies have not been performed for this variant. This variant has not been reported in individuals affected with hereditary cancer in the literature. This variant has not been identified in the general population by the Genome Aggregation Database (gnomAD). The available evidence is insufficient to determine the role of this variant in disease conclusively. Therefore, this variant is classified as a Variant of Uncertain Significance.